The following is an entry in ClinVar:

ClinVar aggregate classification (germline): Likely benign. Review status: criteria provided, multiple submitters, no conflicts (2 of 4 stars). 4 submissions from 4 submitters: Likely benign (4). Last evaluated 2025-06-23.

Conditions:
CACNA1F-related disorder. Also called: CACNA1F-related condition.

Allele frequency attached by ClinVar (database versions not stated): gnomAD 0.00007 and 0.00008; TOPMed 0.00008; gnomAD exomes 0.00011; ExAC 0.00015.
gnomAD v4.1: 77 of 1,189,156 alleles (0.0065%); highest among the groups gnomAD compares: South Asian, 0.055%; 1 homozygote.

Submissions (4):

Labcorp Genetics (formerly Invitae), Labcorp
Classification: Likely benign. Last evaluated: 2025-06-23. Review status: criteria provided, single submitter. Criteria: Invitae Variant Classification Sherloc (09022015). Collection method: clinical testing. Allele origin: germline.

PreventionGenetics, part of Exact Sciences
Classification: Likely benign for CACNA1F-related condition. Last evaluated: 2025-03-19. Review status: criteria provided, single submitter. Criteria: ACMG Guidelines, 2015. Collection method: clinical testing. Allele origin: germline.
Comment: This variant is classified as likely benign based on ACMG/AMP sequence variant interpretation guidelines (Richards et al. 2015 PMID: 25741868, with internal and published modifications).

Blueprint Genetics
Classification: Likely benign. Last evaluated: 2024-08-12. Review status: criteria provided, single submitter. Criteria: ACMG Guidelines, 2015. Collection method: clinical testing. Allele origin: germline.

CeGaT Center for Human Genetics Tuebingen
Classification: Likely benign. Last evaluated: 2022-09-01. Review status: criteria provided, single submitter. Criteria: CeGaT Center For Human Genetics Tuebingen Variant Classification Criteria Version 2. Collection method: clinical testing. Allele origin: germline. Affected: yes. Observed: 1 variant allele.
Comment: CACNA1F: BP4, BP7

NM_001256789.3(CACNA1F):c.582G>A (p.Gly194=)

Gene: CACNA1F (calcium voltage-gated channel subunit alpha1 F; minus strand). Cytogenetic location: Xp11.23.
Variant type: single nucleotide variant.
Coding change: c.582G>A on transcript NM_001256789.3 (MANE Select); coding-DNA position 582, G replaced by A.
Protein change: p.Gly194=; no amino-acid change (glycine 194 retained).
Molecular consequence: synonymous variant.
Genome position (GRCh38, 1-based): chrX:49,230,549, C>T on the plus strand (G>A on the coding strand, the complement: CACNA1F is on the minus strand). VCF-style: chrX-49230549-C-T. GRCh37 (hg19) VCF-style: chrX-49087011-C-T.
Other names: c.582G>A (NM_005183.3); c.387G>A, p.Gly129= (NM_001256790.3); c.582G>A, p.Gly194= (NM_005183.4).
Identifiers: ClinVar variation 1633792 (VCV001633792.34), dbSNP rs782731379, ClinGen allele CA10411061.